The following is an entry in ClinVar:

NM_001349253.2(SCN11A):c.5045G>A (p.Cys1682Tyr)

Gene: SCN11A (sodium voltage-gated channel alpha subunit 11; minus strand). Cytogenetic location: 3p22.2.
Variant type: single nucleotide variant.
Coding change: c.5045G>A on transcript NM_001349253.2 (MANE Select); coding-DNA position 5045, G replaced by A.
Protein change: p.Cys1682Tyr; replaces cysteine 1682 with tyrosine.
Molecular consequence: missense variant.
Genome position (GRCh38, 1-based): chr3:38,847,025, C>T on the plus strand (G>A on the coding strand, the complement: SCN11A is on the minus strand). VCF-style: chr3-38847025-C-T. GRCh37 (hg19) VCF-style: chr3-38888516-C-T.
Other names: c.5045G>A, p.Cys1682Tyr (NM_014139.3); short protein forms C1682Y.
Identifiers: ClinVar variation 3755952 (VCV003755952.2).

ClinVar aggregate classification (germline): Uncertain significance (1 of 4 stars; one submission).

Conditions:
Hereditary sensory and autonomic neuropathy type 7. Also called: Neuropathy, hereditary sensory and autonomic, type VII; HSAN VII. Identifiers: Orphanet 391397, MedGen C3809882, MONDO:0014244, OMIM 615548.
Familial episodic pain syndrome with predominantly lower limb involvement. Also called: Episodic pain syndrome, familial, 3. Identifiers: Orphanet 391384, Orphanet 391392, MedGen C3809899, MONDO:0014247, OMIM 615552.

gnomAD v4.1: 7 of 1,614,058 alleles (0.00043%); highest among the groups gnomAD compares: Non-Finnish European, 0.00059%; no homozygotes.

Submission:

Labcorp Genetics (formerly Invitae), Labcorp
Classification: Uncertain significance for Familial episodic pain syndrome with predominantly lower limb involvement; Hereditary sensory and autonomic neuropathy type 7. Last evaluated: 2024-04-20. Review status: criteria provided, single submitter. Criteria: Invitae Variant Classification Sherloc (09022015). Collection method: clinical testing. Allele origin: germline.
Comment: This sequence change replaces cysteine, which is neutral and slightly polar, with tyrosine, which is neutral and polar, at codon 1682 of the SCN11A protein (p.Cys1682Tyr). This variant is not present in population databases (gnomAD no frequency). This variant has not been reported in the literature in individuals affected with SCN11A-related conditions. Advanced modeling of protein sequence and biophysical properties (such as structural, functional, and spatial information, amino acid conservation, physicochemical variation, residue mobility, and thermodynamic stability) performed at Invitae indicates that this missense variant is not expected to disrupt SCN11A protein function with a negative predictive value of 80%. In summary, the available evidence is currently insufficient to determine the role of this variant in disease. Therefore, it has been classified as a Variant of Uncertain Significance.